The following is an entry in ClinVar:

ClinVar aggregate classification (germline): Likely benign (1 of 4 stars; one submission).

Allele frequency attached by ClinVar (database versions not stated): ExAC 0.00002; gnomAD exomes 0.00002; TOPMed 0.00002; gnomAD 0.00003.

Submission:

CeGaT Center for Human Genetics Tuebingen
Classification: Likely benign. Last evaluated: 2023-04-01. Review status: criteria provided, single submitter. Criteria: CeGaT Center For Human Genetics Tuebingen Variant Classification Criteria Version 2. Collection method: clinical testing. Allele origin: germline. Affected: yes. Observed: 1 variant allele.
Comment: LIN37: BP4, BP7

NM_019104.3(LIN37):c.339G>A (p.Thr113=)

Gene: LIN37 (lin-37 DREAM MuvB core complex component; plus strand). Cytogenetic location: 19q13.12.
Variant type: single nucleotide variant.
Coding change: c.339G>A on transcript NM_019104.3 (MANE Select); coding-DNA position 339, G replaced by A.
Protein change: p.Thr113=; no amino-acid change (threonine 113 retained).
Molecular consequence: synonymous variant.
Genome position (GRCh38, 1-based): chr19:35,753,148, G>A. VCF-style: chr19-35753148-G-A. GRCh37 (hg19) VCF-style: chr19-36244049-G-A.
Other names: c.297G>A, p.Thr99= (NM_001369780.1).
Identifiers: ClinVar variation 2649753 (VCV002649753.24), dbSNP rs770581150, ClinGen allele CA9387227.
Genomic context (GRCh38, chr19:35,753,148, plus strand): 5'-CACATATGTGATCAAGCTGTTCGACCGGAGCGTGGACTTGGCCCAGTTCAGCGAGAACAC[G>A]CCACTGTACCCAATCTGCCGCGCCTGGATGCGCAACAGCCCCTCTGTGCGCGAGCGTGAA-3'
Protein context (NP_061977.1, residues 103-123): SVDLAQFSEN[Thr113=]PLYPICRAWM